The following is an entry in ClinVar:

ClinVar aggregate classification (germline): Likely benign. Review status: criteria provided, multiple submitters, no conflicts (2 of 4 stars). 3 submissions from 3 submitters: Likely benign (3). Last evaluated 2025-10-18.

Conditions:
Shprintzen-Goldberg syndrome (SGS). Also called: Marfanoid disorder with craniosynostosis type 1; Marfanoid craniosynostosis syndrome; Shprintzen-Goldberg marfanoid syndrome; SHPRINTZEN-GOLDBERG CRANIOSYNOSTOSIS SYNDROME; CRANIOSYNOSTOSIS WITH ARACHNODACTYLY AND ABDOMINAL HERNIAS. Identifiers: Orphanet 2462, MedGen C1321551, MONDO:0008426, OMIM 182212.

Allele frequency attached by ClinVar (database versions not stated): gnomAD 0.00001; gnomAD exomes 0.00001 and 0.00002; ExAC 0.00003; 1000 Genomes Project 30x 0.00016; 1000 Genomes Project 0.00020.
gnomAD v4.1: 18 of 1,611,336 alleles (0.0011%); highest among the groups gnomAD compares: Middle Eastern, 0.016%; no homozygotes.

Submissions (3):

Labcorp Genetics (formerly Invitae), Labcorp
Classification: Likely benign for Shprintzen-Goldberg syndrome. Last evaluated: 2025-10-18. Review status: criteria provided, single submitter. Criteria: Invitae Variant Classification Sherloc (09022015). Collection method: clinical testing. Allele origin: germline.

Women's Health and Genetics/Laboratory Corporation of America, LabCorp
Classification: Likely benign. Last evaluated: 2023-07-21. Review status: criteria provided, single submitter. Criteria: LabCorp Variant Classification Summary - May 2015. Collection method: clinical testing. Allele origin: germline.

CeGaT Center for Human Genetics Tuebingen
Classification: Likely benign. Last evaluated: 2022-04-01. Review status: criteria provided, single submitter. Criteria: CeGaT Center For Human Genetics Tuebingen Variant Classification Criteria Version 2. Collection method: clinical testing. Allele origin: germline. Affected: yes. Observed: 1 variant allele.
Comment: SKI: BP4, BP7

NM_003036.4(SKI):c.762C>T (p.Tyr254=)

Gene: SKI (SKI proto-oncogene; plus strand). Cytogenetic location: 1p36.33.
Variant type: single nucleotide variant.
Coding change: c.762C>T on transcript NM_003036.4 (MANE Select); coding-DNA position 762, C replaced by T.
Protein change: p.Tyr254=; no amino-acid change (tyrosine 254 retained).
Molecular consequence: synonymous variant.
Genome position (GRCh38, 1-based): chr1:2,229,528, C>T. VCF-style: chr1-2229528-C-T. GRCh37 (hg19) VCF-style: chr1-2160967-C-T.
Other names: c.762C>T (NM_003036.3).
Identifiers: ClinVar variation 1123206 (VCV001123206.40), dbSNP rs56352201, ClinGen allele CA536455.